The following is an entry in ClinVar:

ClinVar aggregate classification (germline): Uncertain significance. Review status: criteria provided, multiple submitters, no conflicts (2 of 4 stars). 2 submissions from 2 submitters: Uncertain significance (2). Last evaluated 2023-07-27.

Conditions:
CHARGE syndrome (CHARGE). Also called: Coloboma, heart anomaly, choanal atresia, retardation, genital and ear anomalies; CHARGE association; Hall-Hittner syndrome; Hittner Hirsch Kreh syndrome; CHARGE ASSOCIATION--COLOBOMA, HEART ANOMALY, CHOANAL ATRESIA, RETARDATION, GENITAL AND EAR ANOMALIES. Identifiers: Orphanet 138, MedGen C0265354, MONDO:0008965.

Submissions (2):

Blueprint Genetics
Classification: Uncertain significance. Last evaluated: 2023-07-27. Review status: criteria provided, single submitter. Criteria: ACMG Guidelines, 2015. Collection method: clinical testing. Allele origin: germline.

Labcorp Genetics (formerly Invitae), Labcorp
Classification: Uncertain significance for CHARGE syndrome. Last evaluated: 2022-08-09. Review status: criteria provided, single submitter. Criteria: Invitae Variant Classification Sherloc (09022015). Collection method: clinical testing. Allele origin: germline.
Comment: In summary, the available evidence is currently insufficient to determine the role of this variant in disease. Therefore, it has been classified as a Variant of Uncertain Significance. This variant, c.1545_1547del, results in the deletion of 1 amino acid(s) of the CHD7 protein (p.Pro516del), but otherwise preserves the integrity of the reading frame. This variant is present in population databases (rs746859882, gnomAD 0.0009%). This variant has not been reported in the literature in individuals affected with CHD7-related conditions. Experimental studies and prediction algorithms are not available or were not evaluated, and the functional significance of this variant is currently unknown.

NM_017780.4(CHD7):c.1542TCC[1] (p.Pro516del)

Gene: CHD7 (chromodomain helicase DNA binding protein 7; plus strand). Cytogenetic location: 8q12.2.
Variant type: Microsatellite.
Coding change: c.1542TCC[1] on transcript NM_017780.4 (MANE Select); one copy of the 3-base unit TCC starting at c.1542; the reference has two copies in a row; one copy, 3 bases deleted.
Protein change: p.Pro516del; deletes proline 516.
Molecular consequence: inframe deletion.
Genome position (GRCh38, 1-based): chr8:60,742,977-60,742,979, TCC deleted; deleting any 3 consecutive bases within chr8:60,742,974-60,742,979 gives the same sequence; the position shown is the placement nearest the transcript's 3' end. VCF-style (leftmost placement, unchanged base first): chr8-60742973-GTCC-G. GRCh37 (hg19) VCF-style: chr8-61655532-GTCC-G.
Other names: c.1542TCC[1], p.Pro516del (NM_001316690.1); short protein forms P516del.
Identifiers: ClinVar variation 1520954 (VCV001520954.9), dbSNP rs746859882, ClinGen allele CA4759507.
Genomic context (GRCh38, chr8:60,742,973, plus strand): 5'-GACTGATACCTGGCCAACAACATCCTGGTCAACAGCCATCTTTTCAGCAGTTGCCAACCT[GTCC>G]TCCACTGCAGCCTCACCCGGGCTTGCACCACCAGTCTTCACCTCCACACCCTCATCACCA-3'